The following is an entry in ClinVar:

ClinVar aggregate classification (germline): Uncertain significance (1 of 4 stars; one submission).

Conditions:
Juvenile polyposis syndrome (JPS). Identifiers: Orphanet 2929, MedGen C0345893, MONDO:0017380, OMIM 174900.

Submission:

Labcorp Genetics (formerly Invitae), Labcorp
Classification: Uncertain significance for Juvenile polyposis syndrome. Last evaluated: 2022-10-04. Review status: criteria provided, single submitter. Criteria: Invitae Variant Classification Sherloc (09022015). Collection method: clinical testing. Allele origin: germline.
Comment: This variant is not present in population databases (gnomAD no frequency). This sequence change replaces serine, which is neutral and polar, with tryptophan, which is neutral and slightly polar, at codon 191 of the SMAD4 protein (p.Ser191Trp). This variant has not been reported in the literature in individuals affected with SMAD4-related conditions. In summary, the available evidence is currently insufficient to determine the role of this variant in disease. Therefore, it has been classified as a Variant of Uncertain Significance. Advanced modeling of protein sequence and biophysical properties (such as structural, functional, and spatial information, amino acid conservation, physicochemical variation, residue mobility, and thermodynamic stability) has been performed at Invitae for this missense variant, however the output from this modeling did not meet the statistical confidence thresholds required to predict the impact of this variant on SMAD4 protein function.

NM_005359.6(SMAD4):c.572C>G (p.Ser191Trp)

Gene: SMAD4 (SMAD family member 4; plus strand). Cytogenetic location: 18q21.2.
Variant type: single nucleotide variant.
Coding change: c.572C>G on transcript NM_005359.6 (MANE Select); coding-DNA position 572, C replaced by G.
Protein change: p.Ser191Trp; replaces serine 191 with tryptophan.
Molecular consequence: missense variant.
Genome position (GRCh38, 1-based): chr18:51,054,898, C>G. VCF-style: chr18-51054898-C-G. GRCh37 (hg19) VCF-style: chr18-48581268-C-G.
Other names: c.572C>G, p.Ser191Trp (NM_001407041.1, NM_001407042.1, NM_001407043.1); short protein forms S191W.
Identifiers: ClinVar variation 1720856 (VCV001720856.5), dbSNP rs752575871, ClinGen allele CA402461013.